The following is an entry in ClinVar:

NM_000548.5(TSC2):c.745G>A (p.Val249Ile)

Gene: TSC2 (TSC complex subunit 2; plus strand). Cytogenetic location: 16p13.3.
Variant type: single nucleotide variant.
Coding change: c.745G>A on transcript NM_000548.5 (MANE Select); coding-DNA position 745, G replaced by A.
Protein change: p.Val249Ile; replaces valine 249 with isoleucine.
Molecular consequence: missense variant.
Genome position (GRCh38, 1-based): chr16:2,056,740, G>A. VCF-style: chr16-2056740-G-A. GRCh37 (hg19) VCF-style: chr16-2106741-G-A.
Other names: c.745G>A, p.Val249Ile (NM_001077183.3, NM_001114382.3, NM_001363528.2 and 3 more transcripts); c.634G>A, p.Val212Ile (NM_001318827.2); c.598G>A, p.Val200Ile (NM_001318829.2); c.145G>A, p.Val49Ile (NM_001318831.2); c.778G>A, p.Val260Ile (NM_001318832.2); short protein forms V249I, V200I, V260I, V49I, V212I.
Identifiers: ClinVar variation 579851 (VCV000579851.20), dbSNP rs750649974, ClinGen allele CA056300.

ClinVar aggregate classification (germline): Conflicting classifications of pathogenicity. Review status: criteria provided, conflicting classifications (1 of 4 stars). 5 submissions from 5 submitters: Uncertain significance (3); Benign (1); Likely benign (1). Last evaluated 2025-11-21.

Conditions:
Tuberous sclerosis 2 (TSC2). Identifiers: Orphanet 805, MedGen C1860707, MONDO:0013199, OMIM 613254.
Hereditary cancer-predisposing syndrome. Also called: Hereditary neoplastic syndrome; Tumor predisposition; Hereditary Cancer Syndrome; Neoplastic Syndromes, Hereditary. Identifiers: Orphanet 140162, MedGen C0027672, MeSH D009386, MONDO:0015356.
Tuberous sclerosis syndrome (TSC). Also called: Tuberous Sclerosis Complex; Tuberous sclerosis. Identifiers: Orphanet 805, MedGen C0041341, MONDO:0001734.

Allele frequency attached by ClinVar (database versions not stated): gnomAD 0.00001.
gnomAD v4.1: 7 of 1,611,292 alleles (0.00043%); highest among the groups gnomAD compares: Non-Finnish European, 0.00051%; no homozygotes.

Submissions (5):

Ambry Genetics
Classification: Likely benign for Hereditary cancer-predisposing syndrome. Last evaluated: 2025-11-21. Review status: criteria provided, single submitter. Criteria: Ambry Variant Classification Scheme 2023. Collection method: clinical testing. Allele origin: germline.

Labcorp Genetics (formerly Invitae), Labcorp
Classification: Benign for Tuberous sclerosis 2. Last evaluated: 2025-11-10. Review status: criteria provided, single submitter. Criteria: Invitae Variant Classification Sherloc (09022015). Collection method: clinical testing. Allele origin: germline.

GeneDx
Classification: Uncertain significance. Last evaluated: 2024-09-10. Review status: criteria provided, single submitter. Criteria: GeneDx Variant Classification Process June 2021. Collection method: clinical testing. Allele origin: germline. Affected: yes.
Comment: In silico analysis indicates that this missense variant does not alter protein structure/function; Has not been previously published as pathogenic or benign to our knowledge; This variant is associated with the following publications: (PMID: 18466115)

All of Us Research Program, National Institutes of Health
Classification: Uncertain significance for Tuberous sclerosis syndrome. Last evaluated: 2024-08-30. Review status: criteria provided, single submitter. Criteria: ACMG Guidelines, 2015. Collection method: clinical testing. Allele origin: germline. Inheritance: Autosomal dominant inheritance. Observed: 4 variant alleles, 4 heterozygotes.
Comment: This missense variant replaces valine with isoleucine at codon 249 of the TSC2 protein. Computational prediction suggests that this variant may not impact protein structure and function (internally defined REVEL score threshold <= 0.5, PMID: 27666373). To our knowledge, functional studies have not been reported for this variant. This variant has not been reported in individuals affected with tuberous sclerosis complex in the literature. This variant has been identified in 2/249282 chromosomes in the general population by the Genome Aggregation Database (gnomAD). The available evidence is insufficient to determine the role of this variant in disease conclusively. Therefore, this variant is classified as a Variant of Uncertain Significance.

This study involves interpretation of variants in research participants for the purpose of population health screening. Participant phenotype was not available at the time of variant classification. Additional details can be found in publication PMID: 35346344, PMCID: PMC8962531

Genome-Nilou Lab
Classification: Uncertain significance for Tuberous sclerosis 2. Last evaluated: 2021-11-07. Review status: criteria provided, single submitter. Criteria: ACMG Guidelines, 2015. Collection method: clinical testing. Allele origin: germline. Affected: no.